The following is an entry in ClinVar:

NM_002734.5(PRKAR1A):c.857G>C (p.Gly286Ala)

Gene: PRKAR1A (protein kinase cAMP-dependent type I regulatory subunit alpha; plus strand). Cytogenetic location: 17q24.2.
Variant type: single nucleotide variant.
Coding change: c.857G>C on transcript NM_002734.5 (MANE Select); coding-DNA position 857, G replaced by C.
Protein change: p.Gly286Ala; replaces glycine 286 with alanine.
Molecular consequence: missense variant.
Genome position (GRCh38, 1-based): chr17:68,528,957, G>C. VCF-style: chr17-68528957-G-C. GRCh37 (hg19) VCF-style: chr17-66525098-G-C.
Other names: c.857G>C, p.Gly286Ala (NM_001276289.2, NM_001276290.1, NM_001278433.2 and 4 more transcripts); short protein forms G286A.
Identifiers: ClinVar variation 3425057 (VCV003425057.1).

ClinVar aggregate classification (germline): Uncertain significance (1 of 4 stars; one submission).

Conditions:
Hereditary cancer-predisposing syndrome. Also called: Neoplastic Syndromes, Hereditary; Tumor predisposition; Hereditary Cancer Syndrome; Hereditary neoplastic syndrome. Identifiers: Orphanet 140162, MedGen C0027672, MeSH D009386, MONDO:0015356.

Submission:

Ambry Genetics
Classification: Uncertain significance for Hereditary cancer-predisposing syndrome. Last evaluated: 2024-07-14. Review status: criteria provided, single submitter. Criteria: Ambry Variant Classification Scheme 2023. Collection method: clinical testing. Allele origin: germline.
Comment: The p.G286A variant (also known as c.857G>C), located in coding exon 8 of the PRKAR1A gene, results from a G to C substitution at nucleotide position 857. The glycine at codon 286 is replaced by alanine, an amino acid with similar properties. This amino acid position is conserved. In addition, this alteration is predicted to be deleterious by in silico analysis. Based on the available evidence, the clinical significance of this variant remains unclear.